The following is an entry in ClinVar:

NM_001177316.2(SLC34A3):c.757-7C>G

Gene: SLC34A3 (solute carrier family 34 member 3; plus strand). Cytogenetic location: 9q34.3.
Variant type: single nucleotide variant.
Coding change: c.757-7C>G on transcript NM_001177316.2 (MANE Select); 7 bases into the intron before coding-DNA position 757, C replaced by G.
Molecular consequence: intron variant.
Genome position (GRCh38, 1-based): chr9:137,233,626, C>G. VCF-style: chr9-137233626-C-G. GRCh37 (hg19) VCF-style: chr9-140128078-C-G.
Other names: c.757-7C>G (NM_001177317.2, NM_080877.3).
Identifiers: ClinVar variation 4847240 (VCV004847240.1).
Genomic context (GRCh38, chr9:137,233,626, plus strand): 5'-GCGCCAGAGCCCCGGGTGAGTCCTGAGAGAGGGTGCAGCACACCGTCACGACCCCTCTGG[C>G]CCCCAGTTGGACTCCGACATGATCATGAGCAGTGCCACAGGCAACGCCACTAACAGCAGT-3'

ClinVar aggregate classification (germline): Uncertain significance (1 of 4 stars; one submission).

Submission:

Women's Health and Genetics/Laboratory Corporation of America, LabCorp
Classification: Uncertain significance. Last evaluated: 2026-03-31. Review status: criteria provided, single submitter. Criteria: LabCorp Variant Classification Summary - May 2015. Collection method: clinical testing. Allele origin: germline.
Comment: Variant summary: SLC34A3 c.757-7C>G alters a nucleotide located at a position not widely known to affect splicing. Several computational tools predict a significant impact on normal splicing: One predict the variant abolishes a 3' acceptor site. Two predict the variant weakens a 3' acceptor site. However, these predictions have yet to be confirmed by functional studies. The variant was absent in 250550 control chromosomes. The available data on variant occurrences in the general population are insufficient to allow any conclusion about variant significance. To our knowledge, no occurrence of c.757-7C>G in individuals affected with SLC34A3-related conditions and no experimental evidence demonstrating its impact on protein function have been reported. No submitters have cited clinical-significance assessments for this variant to ClinVar. Based on the evidence outlined above, the variant was classified as uncertain significance.